The following is an entry in ClinVar:

ClinVar aggregate classification (germline): Uncertain significance. Review status: criteria provided, single submitter (1 of 4 stars). 2 submissions from 2 submitters: Uncertain significance (1). 1 of the submissions does not count toward it. Last evaluated 2022-08-11.

Conditions:
Mucolipidosis type IV (ML4). Also called: ML IV. Identifiers: Orphanet 578, MedGen C0238286, MONDO:0009653, OMIM 252650.

Allele frequency attached by ClinVar (database versions not stated): TOPMed 0.00003; gnomAD 0.00005; gnomAD exomes 0.00005 and 0.00008; ExAC 0.00011.
gnomAD v4.1: 87 of 1,612,798 alleles (0.0054%); highest among the groups gnomAD compares: Non-Finnish European, 0.0064%; no homozygotes.

Submissions (2):

Labcorp Genetics (formerly Invitae), Labcorp
Classification: Uncertain significance for Mucolipidosis type IV. Last evaluated: 2022-08-11. Review status: criteria provided, single submitter. Criteria: Invitae Variant Classification Sherloc (09022015). Collection method: clinical testing. Allele origin: germline.
Comment: This sequence change falls in intron 7 of the MCOLN1 gene. It does not directly change the encoded amino acid sequence of the MCOLN1 protein. It affects a nucleotide within the consensus splice site. This variant is present in population databases (rs762687602, gnomAD 0.01%). This variant has not been reported in the literature in individuals affected with MCOLN1-related conditions. ClinVar contains an entry for this variant (Variation ID: 572757). Variants that disrupt the consensus splice site are a relatively common cause of aberrant splicing (PMID: 17576681, 9536098). Algorithms developed to predict the effect of sequence changes on RNA splicing suggest that this variant may disrupt the consensus splice site. In summary, the available evidence is currently insufficient to determine the role of this variant in disease. Therefore, it has been classified as a Variant of Uncertain Significance.

Natera, Inc.
Classification: Uncertain significance for Mucolipidosis type IV. Last evaluated: 2018-05-15. Review status: no assertion criteria provided. Collection method: clinical testing. Allele origin: germline. Not counted in ClinVar's aggregate classification.

Literature cited by the submitters: PubMed 17576681 (cited by Labcorp Genetics (formerly Invitae), Labcorp); PubMed 9536098 (cited by Labcorp Genetics (formerly Invitae), Labcorp).

NM_020533.3(MCOLN1):c.877+6C>T

Gene: MCOLN1 (mucolipin TRP cation channel 1; plus strand). Cytogenetic location: 19p13.2.
Variant type: single nucleotide variant.
Coding change: c.877+6C>T on transcript NM_020533.3 (MANE Select); 6 bases into the intron after coding-DNA position 877, C replaced by T.
Molecular consequence: intron variant.
Genome position (GRCh38, 1-based): chr19:7,528,263, C>T. VCF-style: chr19-7528263-C-T. GRCh37 (hg19) VCF-style: chr19-7593149-C-T.
Identifiers: ClinVar variation 572757 (VCV000572757.10), dbSNP rs762687602, ClinGen allele CA9138930.